The following is an entry in ClinVar:

NM_007175.8(ERLIN2):c.641C>T (p.Ala214Val)

Gene: ERLIN2 (ER lipid raft associated 2; plus strand). Cytogenetic location: 8p11.23.
Variant type: single nucleotide variant.
Coding change: c.641C>T on transcript NM_007175.8 (MANE Select); coding-DNA position 641, C replaced by T.
Protein change: p.Ala214Val; replaces alanine 214 with valine.
Molecular consequence: missense variant.
Genome position (GRCh38, 1-based): chr8:37,750,478, C>T. VCF-style: chr8-37750478-C-T. GRCh37 (hg19) VCF-style: chr8-37607996-C-T.
Other names: c.641C>T, p.Ala214Val (NM_001362878.2); short protein forms A214V.
Identifiers: ClinVar variation 3689305 (VCV003689305.2).

ClinVar aggregate classification (germline): Uncertain significance (1 of 4 stars; one submission).

Conditions:
Spastic paraplegia. Identifiers: MedGen C0037772, HP:0001258.

gnomAD v4.1: 7 of 1,612,306 alleles (0.00043%); highest among the groups gnomAD compares: African/African-American, 0.0013%; no homozygotes.

Submission:

Labcorp Genetics (formerly Invitae), Labcorp
Classification: Uncertain significance for Spastic paraplegia. Last evaluated: 2024-08-13. Review status: criteria provided, single submitter. Criteria: Invitae Variant Classification Sherloc (09022015). Collection method: clinical testing. Allele origin: germline.
Comment: This sequence change replaces alanine, which is neutral and non-polar, with valine, which is neutral and non-polar, at codon 214 of the ERLIN2 protein (p.Ala214Val). This variant is not present in population databases (gnomAD no frequency). This variant has not been reported in the literature in individuals affected with ERLIN2-related conditions. Advanced modeling of protein sequence and biophysical properties (such as structural, functional, and spatial information, amino acid conservation, physicochemical variation, residue mobility, and thermodynamic stability) performed at Invitae indicates that this missense variant is expected to disrupt ERLIN2 protein function with a positive predictive value of 80%. Algorithms developed to predict the effect of sequence changes on RNA splicing suggest that this variant may disrupt the consensus splice site. In summary, the available evidence is currently insufficient to determine the role of this variant in disease. Therefore, it has been classified as a Variant of Uncertain Significance.